The following is an entry in ClinVar:

ClinVar aggregate classification (germline): Uncertain significance (1 of 4 stars; one submission).

Submission:

Ambry Genetics
Classification: Uncertain significance. Last evaluated: 2025-10-16. Review status: criteria provided, single submitter. Criteria: Ambry Variant Classification Scheme 2023. Collection method: clinical testing. Allele origin: germline.
Comment: The p.P192S variant (also known as c.574C>T), located in coding exon 4 of the RNF43 gene, results from a C to T substitution at nucleotide position 574. The proline at codon 192 is replaced by serine, an amino acid with similar properties. This amino acid position is conserved. In addition, this alteration is predicted to be tolerated by in silico analysis. Based on the available evidence, the clinical significance of this variant remains unclear.

NM_017763.6(RNF43):c.574C>T (p.Pro192Ser)

Gene: RNF43 (ring finger protein 43; minus strand). Cytogenetic location: 17q22.
Variant type: single nucleotide variant.
Coding change: c.574C>T on transcript NM_017763.6 (MANE Select); coding-DNA position 574, C replaced by T.
Protein change: p.Pro192Ser; replaces proline 192 with serine.
Molecular consequence: missense variant.
Genome position (GRCh38, 1-based): chr17:58,363,283, G>A on the plus strand (C>T on the coding strand, the complement: RNF43 is on the minus strand). VCF-style: chr17-58363283-G-A. GRCh37 (hg19) VCF-style: chr17-56440644-G-A.
Other names: c.574C>T, p.Pro192Ser (NM_001305544.3, NM_001438820.1, NM_001438821.1 and 1 more transcripts); c.193C>T, p.Pro65Ser (NM_001305545.2, NM_001437987.1); short protein forms P65S, P192S.
Identifiers: ClinVar variation 4578970 (VCV004578970.1).